The following is an entry in ClinVar:

ClinVar aggregate classification (germline): Uncertain significance (1 of 4 stars; one submission).

Conditions:
Adams-Oliver syndrome 5 (AOS5). Identifiers: Orphanet 974, MedGen C4014970, MONDO:0014459, OMIM 616028.

Allele frequency attached by ClinVar (database versions not stated): TOPMed below 0.00001.

Submission:

Labcorp Genetics (formerly Invitae), Labcorp
Classification: Uncertain significance for Adams-Oliver syndrome 5. Last evaluated: 2023-10-07. Review status: criteria provided, single submitter. Criteria: Invitae Variant Classification Sherloc (09022015). Collection method: clinical testing. Allele origin: germline.
Comment: This sequence change replaces glycine, which is neutral and non-polar, with serine, which is neutral and polar, at codon 2155 of the NOTCH1 protein (p.Gly2155Ser). This variant is not present in population databases (gnomAD no frequency). This variant has not been reported in the literature in individuals affected with NOTCH1-related conditions. ClinVar contains an entry for this variant (Variation ID: 544181). Advanced modeling of protein sequence and biophysical properties (such as structural, functional, and spatial information, amino acid conservation, physicochemical variation, residue mobility, and thermodynamic stability) performed at Invitae indicates that this missense variant is not expected to disrupt NOTCH1 protein function. In summary, the available evidence is currently insufficient to determine the role of this variant in disease. Therefore, it has been classified as a Variant of Uncertain Significance.

NM_017617.5(NOTCH1):c.6463G>A (p.Gly2155Ser)

Gene: NOTCH1 (notch receptor 1; minus strand). Cytogenetic location: 9q34.3.
Variant type: single nucleotide variant.
Coding change: c.6463G>A on transcript NM_017617.5 (MANE Select); coding-DNA position 6463, G replaced by A.
Protein change: p.Gly2155Ser; replaces glycine 2155 with serine.
Molecular consequence: missense variant.
Genome position (GRCh38, 1-based): chr9:136,497,276, C>T on the plus strand (G>A on the coding strand, the complement: NOTCH1 is on the minus strand). VCF-style: chr9-136497276-C-T. GRCh37 (hg19) VCF-style: chr9-139391728-C-T.
Other names: c.6463G>A, p.Gly2155Ser (LRG_1122t1); short protein forms G2155S.
Identifiers: ClinVar variation 544181 (VCV000544181.8), dbSNP rs1035043614, ClinGen allele CA201633975.